The following is an entry in ClinVar:

NM_001267550.2(TTN):c.11311+2989C>T

Gene: TTN (titin; minus strand). Cytogenetic location: 2q31.2.
Variant type: single nucleotide variant.
Coding change: c.11311+2989C>T on transcript NM_001267550.2 (MANE Select); 2989 bases into the intron after coding-DNA position 11311, C replaced by T.
Molecular consequence: intron variant. On other transcripts: missense variant (1).
Genome position (GRCh38, 1-based): chr2:178,750,135, G>A on the plus strand (C>T on the coding strand, the complement: TTN is on the minus strand). VCF-style: chr2-178750135-G-A. GRCh37 (hg19) VCF-style: chr2-179614862-G-A.
Other names: c.12265C>T, p.Pro4089Ser (NM_133379.5); c.10222+2989C>T (NM_003319.4); c.10798+2989C>T (NM_133437.4); c.10597+2989C>T (NM_133432.3); c.10360+2989C>T (NM_133378.4, NM_001256850.1); short protein forms P4089S.
Identifiers: ClinVar variation 4281329 (VCV004281329.7).
Genomic context (GRCh38, chr2:178,750,135, plus strand): 5'-CTGTTACCTGAATTTCTACAGGAAAGGAAAGCAATTCTGTGTCTCCAGAGGGAGGAACTG[G>A]TGGGTTAGTTTTTAACAAATGAAGATTTGTTTGGCCCTCTTGACTCATAGATGGATGGGC-3'

ClinVar aggregate classification (germline): Likely benign (1 of 4 stars; one submission).

gnomAD v4.1: 6 of 1,613,020 alleles (0.00037%); highest among the groups gnomAD compares: Admixed American, 0.0084%; no homozygotes.

Submission:

CeGaT Center for Human Genetics Tuebingen
Classification: Likely benign. Last evaluated: 2025-09-01. Review status: criteria provided, single submitter. Criteria: CeGaT Center For Human Genetics Tuebingen Variant Classification Criteria Version 2. Collection method: clinical testing. Allele origin: germline. Affected: yes. Observed: 1 variant allele.
Comment: TTN: BP4